The following is an entry in ClinVar:

ClinVar aggregate classification (germline): Uncertain significance. Review status: criteria provided, multiple submitters, no conflicts (2 of 4 stars). 2 submissions from 2 submitters: Uncertain significance (2). Last evaluated 2025-08-19.

Conditions:
PRX-related disorder. Also called: PRX-related condition; PRX-Related Disorders.
Charcot-Marie-Tooth disease type 4. Also called: Charcot-Marie-Tooth disease, type IV; Charcot-Marie-Tooth, Type 4. Identifiers: Orphanet 64749, MedGen C4082197, MONDO:0018995.

Allele frequency attached by ClinVar (database versions not stated): gnomAD exomes 0.00001; TOPMed 0.00001.
gnomAD v4.1: 7 of 1,605,694 alleles (0.00044%); highest among the groups gnomAD compares: Admixed American, 0.0051%; no homozygotes.

Submissions (2):

PreventionGenetics, part of Exact Sciences
Classification: Uncertain significance for PRX-related condition. Last evaluated: 2025-08-19. Review status: criteria provided, single submitter. Criteria: ACMG Guidelines, 2015. Collection method: clinical testing. Allele origin: germline.
Comment: The PRX c.3805G>A variant is predicted to result in the amino acid substitution p.Glu1269Lys. To our knowledge, this variant has not been reported in the literature. This variant is reported in 0.012% of alleles in individuals of East Asian descent in gnomAD. At this time, the clinical significance of this variant is uncertain due to the absence of conclusive functional and genetic evidence.

Labcorp Genetics (formerly Invitae), Labcorp
Classification: Uncertain significance for Charcot-Marie-Tooth disease type 4. Last evaluated: 2021-08-26. Review status: criteria provided, single submitter. Criteria: Invitae Variant Classification Sherloc (09022015). Collection method: clinical testing. Allele origin: germline.
Comment: In summary, the available evidence is currently insufficient to determine the role of this variant in disease. Therefore, it has been classified as a Variant of Uncertain Significance. Algorithms developed to predict the effect of missense changes on protein structure and function are either unavailable or do not agree on the potential impact of this missense change (SIFT: "Tolerated"; PolyPhen-2: "Possibly Damaging"; Align-GVGD: "Class C0"). This variant has not been reported in the literature in individuals affected with PRX-related conditions. This variant is not present in population databases (ExAC no frequency). This sequence change replaces glutamic acid with lysine at codon 1269 of the PRX protein (p.Glu1269Lys). The glutamic acid residue is moderately conserved and there is a small physicochemical difference between glutamic acid and lysine.

NM_181882.3(PRX):c.3805G>A (p.Glu1269Lys)

Gene: PRX (periaxin; minus strand). Cytogenetic location: 19q13.2.
Variant type: single nucleotide variant.
Coding change: c.3805G>A on transcript NM_181882.3 (MANE Select); coding-DNA position 3805, G replaced by A.
Protein change: p.Glu1269Lys; replaces glutamic acid 1269 with lysine.
Molecular consequence: missense variant. On other transcripts: 3 prime UTR variant (1).
Genome position (GRCh38, 1-based): chr19:40,394,547, C>T on the plus strand (G>A on the coding strand, the complement: PRX is on the minus strand). VCF-style: chr19-40394547-C-T. GRCh37 (hg19) VCF-style: chr19-40900454-C-T.
Other names: c.*4010G>A (NM_020956.2); c.3805G>A (NM_181882.2); short protein forms E1269K.
Identifiers: ClinVar variation 1392658 (VCV001392658.7), dbSNP rs916285011, ClinGen allele CA308416512.